The following is an entry in ClinVar:

NM_000213.5(ITGB4):c.5128G>A (p.Val1710Met)

Genes: GALK1 (galactokinase 1; minus strand), ITGB4 (integrin subunit beta 4; plus strand). Cytogenetic location: 17q25.1.
Variant type: single nucleotide variant.
Coding change: c.5128G>A on transcript NM_000213.5 (MANE Select); coding-DNA position 5128, G replaced by A.
Protein change: p.Val1710Met; replaces valine 1710 with methionine.
Molecular consequence: missense variant. On other transcripts: intron variant (1).
Genome position (GRCh38, 1-based): chr17:75,757,017, G>A. VCF-style: chr17-75757017-G-A. GRCh37 (hg19) VCF-style: chr17-73753098-G-A.
Other names: c.5077G>A, p.Val1693Met (NM_001005619.2); c.4918G>A, p.Val1640Met (NM_001005731.3, NM_001321123.2); c.4768G>A, p.Val1590Met (NM_001438834.1); c.*22+1017C>T (NM_001381985.1); short protein forms V1640M, V1693M, V1710M, V1590M.
Identifiers: ClinVar variation 1321465 (VCV001321465.5), dbSNP rs747376161, ClinGen allele CA8770474.
Genomic context (GRCh38, chr17:75,757,017, plus strand): 5'-TTCCGGGTGGATGGAGACAGCCCCGAGAGCCGGCTGACCGTGCCGGGCCTCAGCGAGAAC[G>A]TGCCCTACAAGTTCAAGGTGCAGGCCAGGACCACTGAGGGCTTCGGGCCAGAGCGCGAGG-3'
Protein context (NP_000204.3, residues 1700-1720): RLTVPGLSEN[Val1710Met]PYKFKVQART

ClinVar aggregate classification (germline): Uncertain significance. Review status: criteria provided, multiple submitters, no conflicts (2 of 4 stars). 2 submissions from 2 submitters: Uncertain significance (2). Last evaluated 2022-05-12.

Conditions:
Junctional epidermolysis bullosa with pyloric atresia. Also called: EPIDERMOLYSIS BULLOSA, JUNCTIONAL 5B, WITH PYLORIC ATRESIA; Epidermolysis bullosa, junctional, with pyloric atresia and aplasia cutis congenita; Epidermolysis bullosa junctionalis with pyloric atresia; APLASIA CUTIS CONGENITA WITH GASTROINTESTINAL ATRESIA; CARMI SYNDROME; EB-PA-ACC. Identifiers: Orphanet 79403, MedGen C5676875, MONDO:0009183, OMIM 226730.
Epidermolysis bullosa, junctional 5A, intermediate. Also called: EPIDERMOLYSIS BULLOSA, JUNCTIONAL 5A, GENERALIZED INTERMEDIATE; EPIDERMOLYSIS BULLOSA, JUNCTIONAL 5A, NON-HERLITZ TYPE. Identifiers: MedGen C5676956, MONDO:0030768, OMIM 619816.

Allele frequency attached by ClinVar (database versions not stated): TOPMed 0.00005; gnomAD 0.00007 and 0.00009; ExAC 0.00005.
gnomAD v4.1: 58 of 1,612,282 alleles (0.0036%); highest among the groups gnomAD compares: Non-Finnish European, 0.004%; no homozygotes.

Submissions (2):

Fulgent Genetics
Classification: Uncertain significance for Junctional epidermolysis bullosa with pyloric atresia; Epidermolysis bullosa, junctional 5A, intermediate. Last evaluated: 2022-05-12. Review status: criteria provided, single submitter. Criteria: ACMG Guidelines, 2015. Collection method: clinical testing. Allele origin: unknown.

GeneDx
Classification: Uncertain significance. Last evaluated: 2021-05-14. Review status: criteria provided, single submitter. Criteria: GeneDx Variant Classification Process June 2021. Collection method: clinical testing. Allele origin: germline. Affected: yes.
Comment: In silico analysis supports that this missense variant does not alter protein structure/function